The following is an entry in ClinVar:

NM_001330661.1(ZIC3):c.1232C>A (p.Pro411His)

Gene: ZIC3 (Zic family zinc finger 3; plus strand). Cytogenetic location: Xq26.3.
Variant type: single nucleotide variant.
Coding change: c.1232C>A on transcript NM_001330661.1; coding-DNA position 1232, C replaced by A.
Protein change: p.Pro411His; replaces proline 411 with histidine.
Molecular consequence: missense variant.
Genome position (GRCh38, 1-based): chrX:137,577,129, C>A. VCF-style: chrX-137577129-C-A. GRCh37 (hg19) VCF-style: chrX-136659288-C-A.
Other names: short protein forms P411H.
Identifiers: ClinVar variation 2631008 (VCV002631008.1), dbSNP rs1931522786, ClinGen allele CA414772165.
Genomic context (GRCh38, chrX:137,577,129, plus strand): 5'-GAAATGTGGCCTGTTTTGACCTATCTGCAGTTCACTTTTTGTTTTTTTGCCAGTGTTGTC[C>A]TGCTTGGTATCCGGGACAGTCTCTAATTCCTGACGAAGAACTTGATACTGACGTTGGTAT-3'

ClinVar aggregate classification (germline): Uncertain significance (1 of 4 stars; one submission).

Conditions:
ZIC3-related disorder. Also called: ZIC3-Related Disorders; ZIC3-related condition.

Allele frequency attached by ClinVar (database versions not stated): TOPMed 0.00001; gnomAD 0.00001.

Submission:

PreventionGenetics, part of Exact Sciences
Classification: Uncertain significance for ZIC3-related condition. Last evaluated: 2023-09-20. Review status: criteria provided, single submitter. Criteria: ACMG Guidelines, 2015. Collection method: clinical testing. Allele origin: germline.
Comment: The ZIC3 c.1232C>A variant is predicted to result in the amino acid substitution p.Pro411His. To our knowledge, this variant has not been reported in the literature or in a large population database, indicating this variant is rare. At this time, the clinical significance of this variant is uncertain due to the absence of conclusive functional and genetic evidence.